The following is an entry in ClinVar:

NM_006009.4(TUBA1A):c.808G>T (p.Ala270Ser)

Gene: TUBA1A (tubulin alpha 1a; minus strand). Cytogenetic location: 12q13.12.
Variant type: single nucleotide variant.
Coding change: c.808G>T on transcript NM_006009.4 (MANE Select); coding-DNA position 808, G replaced by T.
Protein change: p.Ala270Ser; replaces alanine 270 with serine.
Molecular consequence: missense variant.
Genome position (GRCh38, 1-based): chr12:49,185,558, C>A on the plus strand (G>T on the coding strand, the complement: TUBA1A is on the minus strand). VCF-style: chr12-49185558-C-A. GRCh37 (hg19) VCF-style: chr12-49579341-C-A.
Other names: c.808G>T, p.Ala270Ser (NM_001270399.2); c.703G>T, p.Ala235Ser (NM_001270400.2); short protein forms A270S, A235S.
Identifiers: ClinVar variation 160164 (VCV000160164.8), dbSNP rs587784494, ClinGen allele CA213279.

ClinVar aggregate classification (germline): Pathogenic/Likely pathogenic. Review status: criteria provided, multiple submitters, no conflicts (2 of 4 stars). 2 submissions from 2 submitters: Pathogenic (1); Likely pathogenic (1). Last evaluated 2018-07-01.

Conditions:
Tubulinopathy. Also called: Tubulinopathies. Identifiers: MedGen CN850169, MONDO:0100153.
Lissencephaly due to TUBA1A mutation (CDCBM16). Also called: CORTICAL DYSPLASIA, COMPLEX, WITH OTHER BRAIN MALFORMATIONS 16; Lissencephaly 3. Identifiers: Orphanet 171680, MedGen C4305153, MONDO:0012703, OMIM 611603.

Submissions (2):

Institute of Human Genetics, FAU Erlangen, Friedrich-Alexander-Universität Erlangen-Nürnberg
Classification: Pathogenic for Tubulinopathies. Last evaluated: 2018-07-01. Review status: criteria provided, single submitter. Criteria: ACMG Guidelines, 2015. Collection method: literature only. Allele origin: de novo. Affected: yes. Observed: 1 variant allele.
Comment: The c.808G>T, p.(Ala270Ser) variant has been reported as a variant of de novo origin. This variant and associated phenotype was previously reported by Myers et al. Pediatric Neurology, 2015 PMID: 26294046. Cortical gyral simplification (HP:0009879); Cerebellar vermis hypoplasia (HP:0001320); Hypoplasia of the brainstem (HP:0002365); Cerebellar dysplasia (HP:0007033); Congenital microcephaly (HP:0011451); Muscular hypotonia (HP:0001252); Generalized tonic-clonic seizures (HP:0002069); Optic nerve hypoplasia (HP:0000609)

Genetic Services Laboratory, University of Chicago
Classification: Likely pathogenic for Lissencephaly 3. Last evaluated: 2014-03-10. Review status: criteria provided, single submitter. Criteria: ACMG Guidelines, 2007. Collection method: clinical testing. Allele origin: germline. Inheritance: Autosomal dominant inheritance. Affected: yes.

Literature cited by the submitters: PubMed 30744660 (cited by Institute of Human Genetics, FAU Erlangen, Friedrich-Alexander-Universität Erlangen-Nürnberg); DOI 10.1101/427948 (cited by Institute of Human Genetics, FAU Erlangen, Friedrich-Alexander-Universität Erlangen-Nürnberg).